The following is an entry in ClinVar:

NM_004357.5(CD151):c.202G>A (p.Gly68Ser)

Gene: CD151 (CD151 molecule (Raph blood group); plus strand). Cytogenetic location: 11p15.5.
Variant type: single nucleotide variant.
Coding change: c.202G>A on transcript NM_004357.5 (MANE Select); coding-DNA position 202, G replaced by A.
Protein change: p.Gly68Ser; replaces glycine 68 with serine.
Molecular consequence: missense variant.
Genome position (GRCh38, 1-based): chr11:836,368, G>A. VCF-style: chr11-836368-G-A. GRCh37 (hg19) VCF-style: chr11-836368-G-A.
Other names: c.202G>A, p.Gly68Ser (NM_001039490.2, NM_139029.2, NM_139030.4); short protein forms G68S.
Identifiers: ClinVar variation 1965336 (VCV001965336.5), dbSNP rs2495974688, ClinGen allele CA378993923.

ClinVar aggregate classification (germline): Uncertain significance (1 of 4 stars; one submission).

Submission:

Labcorp Genetics (formerly Invitae), Labcorp
Classification: Uncertain significance. Last evaluated: 2022-11-15. Review status: criteria provided, single submitter. Criteria: Invitae Variant Classification Sherloc (09022015). Collection method: clinical testing. Allele origin: germline.
Comment: This variant is not present in population databases (gnomAD no frequency). This sequence change replaces glycine, which is neutral and non-polar, with serine, which is neutral and polar, at codon 68 of the CD151 protein (p.Gly68Ser). This variant has not been reported in the literature in individuals affected with CD151-related conditions. In summary, the available evidence is currently insufficient to determine the role of this variant in disease. Therefore, it has been classified as a Variant of Uncertain Significance. Algorithms developed to predict the effect of missense changes on protein structure and function (SIFT, PolyPhen-2, Align-GVGD) all suggest that this variant is likely to be disruptive.